The following is an entry in ClinVar:

ClinVar aggregate classification (germline): Likely pathogenic. Review status: reviewed by expert panel (3 of 4 stars). 2 submissions from 2 submitters: Likely pathogenic (1). 1 of the submissions does not count toward it. Last evaluated 2025-11-19.

Conditions:
Anterior segment dysgenesis 6 (ASGD6). Also called: Anterior segment dysgenesis 6, multiple subtypes. Identifiers: MedGen C4310623, MONDO:0015016, OMIM 617315.
CYP1B1-related glaucoma with or without anterior segment dysgenesis. Identifiers: MedGen CN375931, MONDO:0800472.

Submissions (2):

ClinGen Glaucoma Variant Curation Expert Panel
Classification: Likely pathogenic for CYP1B1-related glaucoma with or without anterior segment dysgenesis. Last evaluated: 2025-11-19. Review status: reviewed by expert panel. Criteria: ClinGen CYP1B1 ACMG Specifications V1 Approved. Collection method: curation. Allele origin: germline. Inheritance: Autosomal recessive inheritance.
Comment: The c.1033_1035del variant in CYP1B1 is predicted to cause a change in the length of the protein due to an in-frame deletion of 1 amino acid (p.Leu345del), meeting PM4. This in-frame indel variant is located in the I-helix, meeting PM1_Supporting. The highest minor allele frequency of this variant was in the European (non-Finnish) genetic ancestry group of gnomAD (v4.1.0) = 0.000002542 (3 alleles out of 1,179,956), which met the ≤ 0.0005 threshold set for PM2_Supporting in a genetic ancestry group of at least 2,000 alleles. A previous study (PMID: 18470941) demonstrated that the Leu345del protein had reduced 17B Estradiol Activity levels compared to wild type CYP1B1 protein and met the OddsPath threshold for PS3_Supporting (> 2.1), indicating that this variant did impact protein function. This variant has been identified in 2 individuals with a CYP1B1-related phenotype. These individuals are compound heterozygous for the variant and pathogenic or likely pathogenic variants (confirmed in trans) (PMIDs: 19195637, 16735994). Total proband points = 2, meeting PM3_Strong. In summary, this variant met the criteria to receive a score of 9 and to be classified as likely pathogenic (likely pathogenic classification range 6 to 9, adapted from PMID: 32720330) for CYP1B1-related glaucoma with or without anterior segment dysgenesis (ASD) based on the ACMG/AMP criteria met, as specified by the ClinGen Glaucoma VCEP (v1.0, 06.11.2025): PM3_Strong, PM4, PS3_Supporting, PM1_Supporting, PM2_Supporting.

Baylor Genetics
Classification: Likely pathogenic for Anterior segment dysgenesis 6. Last evaluated: 2023-08-14. Review status: criteria provided, single submitter. Criteria: ACMG Guidelines, 2015. Collection method: clinical testing. Allele origin: unknown. Not counted in ClinVar's aggregate classification.

Literature cited by the submitters: PubMed 18470941 (cited by ClinGen Glaucoma Variant Curation Expert Panel).

NM_000104.4(CYP1B1):c.1027CTC[2] (p.Leu345del)

Gene: CYP1B1 (cytochrome P450 family 1 subfamily B member 1; minus strand). Cytogenetic location: 2p22.2.
Variant type: Microsatellite.
Coding change: c.1027CTC[2] on transcript NM_000104.4 (MANE Select); two copies in a row of the 3-base unit CTC starting at c.1027; the reference has three copies in a row; one copy, 3 bases deleted; also written c.1033_1035del.
Protein change: p.Leu345del; deletes leucine 345.
Genome position (GRCh38, 1-based): chr2:38,074,354-38,074,356, GAG deleted on the plus strand (CTC on the coding strand, the reverse complement: CYP1B1 is on the minus strand); deleting any 3 consecutive bases within chr2:38,074,354-38,074,362 gives the same sequence; the position shown is the placement nearest the transcript's 3' end. VCF-style (leftmost placement, unchanged base first): chr2-38074353-AGAG-A. GRCh37 (hg19) VCF-style: chr2-38301496-AGAG-A.
Other names: c.1033_1035del (NM_000104.4); short protein forms L345del.
Identifiers: ClinVar variation 2681127 (VCV002681127.1), dbSNP rs1195158694, ClinGen allele CA768463754.
Genomic context (GRCh38, chr2:38,074,353, plus strand): 5'-TCCGCCTTTTTCAGAGGAGAAAAGACCTGGCCCACGCCTCCCAGAGGCTTTACCTGGTGA[AGAG>A]GAGGAGCAGCCACTGCAGCGCGGTGGACAGGGTGTCCTGGCTGGCGCCGAAGATGTCAGT-3'